The following is an entry in ClinVar:

NM_003922.4(HERC1):c.12129G>T (p.Gln4043His)

Gene: HERC1 (HECT and RLD domain containing E3 ubiquitin protein ligase family member 1; minus strand). Cytogenetic location: 15q22.31.
Variant type: single nucleotide variant.
Coding change: c.12129G>T on transcript NM_003922.4 (MANE Select); coding-DNA position 12129, G replaced by T.
Protein change: p.Gln4043His; replaces glutamine 4043 with histidine.
Molecular consequence: missense variant.
Genome position (GRCh38, 1-based): chr15:63,637,608, C>A on the plus strand (G>T on the coding strand, the complement: HERC1 is on the minus strand). VCF-style: chr15-63637608-C-A. GRCh37 (hg19) VCF-style: chr15-63929807-C-A.
Other names: short protein forms Q4043H.
Identifiers: ClinVar variation 1317380 (VCV001317380.3), dbSNP rs776161686, ClinGen allele CA7604056.

ClinVar aggregate classification (germline): Uncertain significance. Review status: criteria provided, multiple submitters, no conflicts (2 of 4 stars). 2 submissions from 2 submitters: Uncertain significance (2). Last evaluated 2025-08-29.

Conditions:
Inborn genetic diseases. Identifiers: MedGen C0950123, MeSH D030342.

Allele frequency attached by ClinVar (database versions not stated): gnomAD exomes below 0.00001 and 0.00001; gnomAD 0.00001; TOPMed 0.00001; ExAC 0.00004.

Submissions (2):

Ambry Genetics
Classification: Uncertain significance for Inborn genetic diseases. Last evaluated: 2025-08-29. Review status: criteria provided, single submitter. Criteria: Ambry Variant Classification Scheme 2023. Collection method: clinical testing. Allele origin: germline.

GeneDx
Classification: Uncertain significance. Last evaluated: 2020-10-28. Review status: criteria provided, single submitter. Criteria: GeneDx Variant Classification Process June 2021. Collection method: clinical testing. Allele origin: germline. Affected: yes.
Comment: Not observed at a significant frequency in large population cohorts (Lek et al., 2016); In silico analysis supports that this missense variant does not alter protein structure/function; Has not been previously published as pathogenic or benign to our knowledge